The following is an entry in ClinVar:

ClinVar aggregate classification (germline): Uncertain significance (1 of 4 stars; one submission).

gnomAD v4.1: 2 of 1,614,058 alleles (0.00012%); highest among the groups gnomAD compares: African/African-American, 0.0013%; no homozygotes.

Submission:

GeneDx
Classification: Uncertain significance. Last evaluated: 2025-06-02. Review status: criteria provided, single submitter. Criteria: GeneDx Variant Classification Process June 2021. Collection method: clinical testing. Allele origin: germline. Affected: yes.
Comment: Not observed at significant frequency in large population cohorts (gnomAD); In silico analysis supports that this missense variant has a deleterious effect on protein structure/function; Has not been previously published as pathogenic or benign to our knowledge

NM_000384.3(APOB):c.1537T>C (p.Cys513Arg)

Gene: APOB (apolipoprotein B; minus strand). Cytogenetic location: 2p24.1.
Variant type: single nucleotide variant.
Coding change: c.1537T>C on transcript NM_000384.3 (MANE Select); coding-DNA position 1537, T replaced by C.
Protein change: p.Cys513Arg; replaces cysteine 513 with arginine.
Molecular consequence: missense variant.
Genome position (GRCh38, 1-based): chr2:21,029,719, A>G on the plus strand (T>C on the coding strand, the complement: APOB is on the minus strand). VCF-style: chr2-21029719-A-G. GRCh37 (hg19) VCF-style: chr2-21252591-A-G.
Other names: short protein forms C513R.
Identifiers: ClinVar variation 4536369 (VCV004536369.1).